The following is an entry in ClinVar:

ClinVar aggregate classification (germline): Uncertain significance (1 of 4 stars; one submission).

Conditions:
Brugada syndrome. Also called: Sudden unexpected nocturnal death syndrome; Sudden Unexplained Death Syndrome; Sudden Unexplained Nocturnal Death Syndrome (SUNDS); Sudden unexplained nocturnal death syndrome. Identifiers: Orphanet 130, MedGen C1142166, MONDO:0015263.

Submission:

Labcorp Genetics (formerly Invitae), Labcorp
Classification: Uncertain significance for Brugada syndrome. Last evaluated: 2023-10-29. Review status: criteria provided, single submitter. Criteria: Invitae Variant Classification Sherloc (09022015). Collection method: clinical testing. Allele origin: germline.
Comment: This sequence change replaces cysteine, which is neutral and slightly polar, with tyrosine, which is neutral and polar, at codon 829 of the CACNA2D1 protein (p.Cys829Tyr). This variant is not present in population databases (gnomAD no frequency). This variant has not been reported in the literature in individuals affected with CACNA2D1-related conditions. An algorithm developed to predict the effect of missense changes on protein structure and function (PolyPhen-2) suggests that this variant is likely to be disruptive. In summary, the available evidence is currently insufficient to determine the role of this variant in disease. Therefore, it has been classified as a Variant of Uncertain Significance.

NM_000722.4(CACNA2D1):c.2486G>A (p.Cys829Tyr)

Gene: CACNA2D1 (calcium voltage-gated channel auxiliary subunit alpha2delta 1; minus strand). Cytogenetic location: 7q21.11.
Variant type: single nucleotide variant.
Coding change: c.2486G>A on transcript NM_000722.4 (MANE Select); coding-DNA position 2486, G replaced by A.
Protein change: p.Cys829Tyr; replaces cysteine 829 with tyrosine.
Molecular consequence: missense variant.
Genome position (GRCh38, 1-based): chr7:81,967,185, C>T on the plus strand (G>A on the coding strand, the complement: CACNA2D1 is on the minus strand). VCF-style: chr7-81967185-C-T. GRCh37 (hg19) VCF-style: chr7-81596501-C-T.
Other names: c.2522G>A, p.Cys841Tyr (NM_001366867.1); short protein forms C829Y, C841Y.
Identifiers: ClinVar variation 2805898 (VCV002805898.3), dbSNP rs2484527402, ClinGen allele CA367887936.